The following is an entry in ClinVar:

ClinVar aggregate classification (germline): Conflicting classifications of pathogenicity. Review status: criteria provided, conflicting classifications (1 of 4 stars). 3 submissions from 3 submitters: Pathogenic (1); Uncertain significance (2). Last evaluated 2025-05-22.

Conditions:
Pyridoxine-dependent epilepsy (EPEO4). Also called: Pyridoxine-Dependent Seizures; PYRIDOXINE DEPENDENCY WITH SEIZURES; Pyridoxine-Dependent Epilepsy - ALDH7A1; EPILEPSY, EARLY-ONSET, 4, VITAMIN B6-DEPENDENT. Identifiers: Orphanet 3006, MedGen C1849508, MONDO:0009945, OMIM 266100. Disease mechanism: loss of function.

Submissions (3):

Women's Health and Genetics/Laboratory Corporation of America, LabCorp
Classification: Uncertain significance. Last evaluated: 2025-05-22. Review status: criteria provided, single submitter. Criteria: LabCorp Variant Classification Summary - May 2015. Collection method: clinical testing. Allele origin: germline.
Comment: Variant summary: ALDH7A1 c.986G>A (p.Arg329Lys) results in a conservative amino acid change in the encoded protein sequence. Algorithms developed to predict the effect of missense changes on protein structure and function are either unavailable or do not agree on the potential impact of this missense change. The variant was absent in 251152 control chromosomes (gnomAD). c.986G>A has been observed in individuals affected with clinical features of Pyridoxine-Dependent Epilepsy (Xue_2019, Jiao_2019, internal data). These data indicate that the variant may be associated with disease. To our knowledge, no experimental evidence demonstrating an impact on protein function has been reported. The following publications have been ascertained in the context of this evaluation (PMID: 31737911, 31388081). ClinVar contains an entry for this variant (Variation ID: 220512). Based on the evidence outlined above, the variant was classified as VUS-possibly pathogenic.

Labcorp Genetics (formerly Invitae), Labcorp
Classification: Pathogenic for Pyridoxine-dependent epilepsy. Last evaluated: 2024-01-09. Review status: criteria provided, single submitter. Criteria: Invitae Variant Classification Sherloc (09022015). Collection method: clinical testing. Allele origin: germline.
Comment: This sequence change replaces arginine, which is basic and polar, with lysine, which is basic and polar, at codon 329 of the ALDH7A1 protein (p.Arg329Lys). This variant is not present in population databases (gnomAD no frequency). This missense change has been observed in individual(s) with elevated urine alpha-AASA and pyridoxine-responsive seizures (PMID: 31737911; Invitae). In at least one individual the data is consistent with being in trans (on the opposite chromosome) from a pathogenic variant. ClinVar contains an entry for this variant (Variation ID: 220512). Advanced modeling of protein sequence and biophysical properties (such as structural, functional, and spatial information, amino acid conservation, physicochemical variation, residue mobility, and thermodynamic stability) performed at Invitae indicates that this missense variant is expected to disrupt ALDH7A1 protein function with a positive predictive value of 95%. For these reasons, this variant has been classified as Pathogenic.

Juno Genomics, Hangzhou Juno Genomics, Inc
Classification: Uncertain significance for Pyridoxine-dependent epilepsy. Review status: criteria provided, single submitter. Criteria: ACMG Guidelines, 2015. Collection method: clinical testing. Allele origin: germline.
Comment: Absent from controls (or at extremely low frequency if recessive) in Genome Aggregation Database.;Multiple lines of computational evidence support a deleterious effect on the gene or gene product.;For recessive disorders, detected in trans with a pathogenic variant.;Patient's phenotype or family history is highly specific for a disease with a single genetic etiology.

Literature cited by the submitters: PubMed 31737911 (cited by Women's Health and Genetics/Laboratory Corporation of America, LabCorp and Labcorp Genetics (formerly Invitae), Labcorp); PubMed 31388081 (cited by Women's Health and Genetics/Laboratory Corporation of America, LabCorp).

NM_001182.5(ALDH7A1):c.986G>A (p.Arg329Lys)

Gene: ALDH7A1 (aldehyde dehydrogenase 7 family member A1; minus strand). Cytogenetic location: 5q23.2.
Variant type: single nucleotide variant.
Coding change: c.986G>A on transcript NM_001182.5 (MANE Select); coding-DNA position 986, G replaced by A.
Protein change: p.Arg329Lys; replaces arginine 329 with lysine.
Molecular consequence: missense variant.
Genome position (GRCh38, 1-based): chr5:126,559,262, C>T on the plus strand (G>A on the coding strand, the complement: ALDH7A1 is on the minus strand). VCF-style: chr5-126559262-C-T. GRCh37 (hg19) VCF-style: chr5-125894954-C-T.
Other names: c.902G>A, p.Arg301Lys (NM_001201377.2); c.986G>A, p.Arg329Lys (NM_001202404.2); short protein forms R329K, R301K.
Identifiers: ClinVar variation 220512 (VCV000220512.6), dbSNP rs864622558, ClinGen allele CA350412.